The following is an entry in ClinVar:

ClinVar aggregate classification (germline): Uncertain significance. Review status: criteria provided, multiple submitters, no conflicts (2 of 4 stars). 2 submissions from 2 submitters: Uncertain significance (2). Last evaluated 2025-12-01.

gnomAD v4.1: 22 of 1,613,980 alleles (0.0014%); highest among the groups gnomAD compares: Middle Eastern, 0.016%; no homozygotes.

Submissions (2):

CeGaT Center for Human Genetics Tuebingen
Classification: Uncertain significance. Last evaluated: 2025-12-01. Review status: criteria provided, single submitter. Criteria: CeGaT Center For Human Genetics Tuebingen Variant Classification Criteria Version 2. Collection method: clinical testing. Allele origin: germline. Affected: yes. Observed: 1 variant allele.
Comment: EIF2AK2: PM2, BP4

Mayo Clinic Laboratories, Mayo Clinic
Classification: Uncertain significance. Last evaluated: 2025-03-21. Review status: criteria provided, single submitter. Criteria: ACMG Guidelines, 2015. Collection method: clinical testing. Allele origin: germline. Observed: 1 variant allele.

NM_001135651.3(EIF2AK2):c.1417G>A (p.Ala473Thr)

Gene: EIF2AK2 (eukaryotic translation initiation factor 2 alpha kinase 2; minus strand). Cytogenetic location: 2p22.2.
Variant type: single nucleotide variant.
Coding change: c.1417G>A on transcript NM_001135651.3 (MANE Select); coding-DNA position 1417, G replaced by A.
Protein change: p.Ala473Thr; replaces alanine 473 with threonine.
Molecular consequence: missense variant.
Genome position (GRCh38, 1-based): chr2:37,109,256, C>T on the plus strand (G>A on the coding strand, the complement: EIF2AK2 is on the minus strand). VCF-style: chr2-37109256-C-T. GRCh37 (hg19) VCF-style: chr2-37336399-C-T.
Other names: p.Ala473Thr; c.1294G>A, p.Ala432Thr (NM_001135652.3); c.1417G>A, p.Ala473Thr (NM_002759.4); short protein forms A432T, A473T.
Identifiers: ClinVar variation 4540635 (VCV004540635.5).